The following is an entry in ClinVar:

NM_000516.7(GNAS):c.3G>A (p.Met1Ile)

Gene: GNAS (GNAS complex locus; plus strand). Cytogenetic location: 20q13.32.
Variant type: single nucleotide variant.
Coding change: c.3G>A on transcript NM_000516.7 (MANE Select); coding-DNA position 3, G replaced by A.
Protein change: p.Met1Ile; changes the start codon (methionine 1).
Molecular consequence: missense variant, initiator codon variant. On other transcripts: intron variant (11).
Genome position (GRCh38, 1-based): chr20:58,891,729, G>A. VCF-style: chr20-58891729-G-A. GRCh37 (hg19) VCF-style: chr20-57466784-G-A.
Other names: c.3G>A, p.Met1Ile (NM_001077488.5, NM_001077489.4, NM_001309842.2 and 1 more transcripts); c.*43-3883G>A (NM_016592.5); c.44-3883G>A (NM_001410912.1); c.-38-3883G>A (NM_001309861.2); c.*1-3883G>A (NM_001077490.3); c.2069-3883G>A (NM_080425.4, NM_001410913.1); c.*159-3883G>A (NM_001309883.1); c.-39+2376G>A (NM_001438273.1, NM_001309840.2); and 1 more; short protein forms M1I.
Identifiers: ClinVar variation 4710588 (VCV004710588.1).
Genomic context (GRCh38, chr20:58,891,729, plus strand): 5'-GCCGCCCGCGCCCGCCGCCGCCGCAGCCCGGCCGCGCCCCGCCGCCGCCGCCGCCGCCAT[G>A]GGCTGCCTCGGGAACAGTAAGACCGAGGACCAGCGCAACGAGGAGAAGGCGCAGCGTGAG-3'
Protein context (NP_000507.1, residues 1-11): [Met1Ile]GCLGNSKTED

ClinVar aggregate classification (germline): Pathogenic (1 of 4 stars; one submission).

Submission:

Labcorp Genetics (formerly Invitae), Labcorp
Classification: Pathogenic. Last evaluated: 2025-02-27. Review status: criteria provided, single submitter. Criteria: Invitae Variant Classification Sherloc (09022015). Collection method: clinical testing. Allele origin: germline.
Comment: This sequence change affects the initiator methionine of the GNAS mRNA. The next in-frame methionine is located at codon 60. This variant is not present in population databases (gnomAD no frequency). Disruption of the initiator codon has been observed in individual(s) with GNAS-related conditions (PMID: 21713996). In at least one individual the variant was observed to be de novo. Algorithms developed to predict the effect of variants on gene product structure and function are not available or were not evaluated for this variant. Experimental studies have shown that disruption of the initiator codon affects GNAS function (PMID: 21713996). For these reasons, this variant has been classified as Pathogenic.

Literature cited by the submitters: PubMed 21713996.